The following is an entry in ClinVar:

NM_013450.4(BAZ2B):c.2636A>G (p.Asp879Gly)

Gene: BAZ2B (bromodomain adjacent to zinc finger domain 2B; minus strand). Cytogenetic location: 2q24.2.
Variant type: single nucleotide variant.
Coding change: c.2636A>G on transcript NM_013450.4 (MANE Select); coding-DNA position 2636, A replaced by G.
Protein change: p.Asp879Gly; replaces aspartic acid 879 with glycine.
Molecular consequence: missense variant.
Genome position (GRCh38, 1-based): chr2:159,412,376, T>C on the plus strand (A>G on the coding strand, the complement: BAZ2B is on the minus strand). VCF-style: chr2-159412376-T-C. GRCh37 (hg19) VCF-style: chr2-160268887-T-C.
Other names: c.2528A>G, p.Asp843Gly (NM_001289975.1); c.2447A>G, p.Asp816Gly (NM_001329857.2); c.2534A>G, p.Asp845Gly (NM_001329858.2); short protein forms D816G, D843G, D845G, D879G.
Identifiers: ClinVar variation 2635734 (VCV002635734.3), dbSNP rs2546559266, ClinGen allele CA348935906.

ClinVar aggregate classification (germline): Uncertain significance (0 of 4 stars; one submission).

Conditions:
BAZ2B-related disorder. Also called: BAZ2B-related condition.

Allele frequency attached by ClinVar (database versions not stated): gnomAD exomes below 0.00001.
gnomAD v4.1: 2 of 1,614,180 alleles (0.00012%); highest among the groups gnomAD compares: Non-Finnish European, 0.00017%; no homozygotes.

Submission:

PreventionGenetics, part of Exact Sciences
Classification: Uncertain significance for BAZ2B-related condition. Last evaluated: 2023-11-21. Review status: no assertion criteria provided. Collection method: clinical testing. Allele origin: germline.
Comment: The BAZ2B c.2528A>G variant is predicted to result in the amino acid substitution p.Asp843Gly. To our knowledge, this variant has not been reported in the literature or in a large population database, indicating this variant is rare. At this time, the clinical significance of this variant is uncertain due to the absence of conclusive functional and genetic evidence.